The following is an entry in ClinVar:

NM_001148.6(ANK2):c.4123G>A (p.Val1375Met)

Gene: ANK2 (ankyrin 2; plus strand). Cytogenetic location: 4q26.
Variant type: single nucleotide variant.
Coding change: c.4123G>A on transcript NM_001148.6 (MANE Select); coding-DNA position 4123, G replaced by A.
Protein change: p.Val1375Met; replaces valine 1375 with methionine.
Molecular consequence: missense variant.
Genome position (GRCh38, 1-based): chr4:113,343,017, G>A. VCF-style: chr4-113343017-G-A. GRCh37 (hg19) VCF-style: chr4-114264173-G-A.
Other names: c.4123G>A, p.Val1375Met (NM_020977.5); c.1687G>A, p.Val563Met (NM_001354282.2, NM_001354279.2); c.3922G>A, p.Val1308Met (NM_001386142.1, NM_001354274.2, NM_001386154.1); c.4060G>A, p.Val1354Met (NM_001386143.1, NM_001354243.2, NM_001354255.2); c.4168G>A, p.Val1390Met (NM_001386144.1, NM_001354240.2, NM_001354241.2); c.3937G>A, p.Val1313Met (NM_001386146.1, NM_001386149.1, NM_001386150.1 and 6 more transcripts); c.3982G>A, p.Val1328Met (NM_001386147.1, NM_001354261.2); c.4108G>A, p.Val1370Met (NM_001386148.2, NM_001386186.2); and 31 more; short protein forms V1214M, V1288M, V1304M, V1320M, V1323M, V1330M, V1332M, V1342M.
Identifiers: ClinVar variation 3707357 (VCV003707357.2).

ClinVar aggregate classification (germline): Uncertain significance (1 of 4 stars; one submission).

Conditions:
Long QT syndrome (LQTS). Identifiers: MedGen C0023976, MeSH D008133, MONDO:0002442. Disease mechanism: loss of function. Inheritance: Various modes of inheritance.

gnomAD v4.1: 1 of 1,613,850 alleles (0.000062%); highest among the groups gnomAD compares: Non-Finnish European, 0.000085%; no homozygotes.

Submission:

Labcorp Genetics (formerly Invitae), Labcorp
Classification: Uncertain significance for Long QT syndrome. Last evaluated: 2024-11-27. Review status: criteria provided, single submitter. Criteria: Invitae Variant Classification Sherloc (09022015). Collection method: clinical testing. Allele origin: germline.
Comment: This sequence change replaces valine, which is neutral and non-polar, with methionine, which is neutral and non-polar, at codon 1375 of the ANK2 protein (p.Val1375Met). This variant is not present in population databases (gnomAD no frequency). This variant has not been reported in the literature in individuals affected with ANK2-related conditions. An algorithm developed to predict the effect of missense changes on protein structure and function (PolyPhen-2) suggests that this variant is likely to be disruptive. In summary, the available evidence is currently insufficient to determine the role of this variant in disease. Therefore, it has been classified as a Variant of Uncertain Significance.